The following is an entry in ClinVar:

ClinVar aggregate classification (germline): Uncertain significance (1 of 4 stars; one submission).

Allele frequency attached by ClinVar (database versions not stated): gnomAD exomes below 0.00001.
gnomAD v4.1: 3 of 1,610,494 alleles (0.00019%); highest among the groups gnomAD compares: Non-Finnish European, 0.00017%; no homozygotes.

Submission:

GeneDx
Classification: Uncertain significance. Last evaluated: 2020-01-24. Review status: criteria provided, single submitter. Criteria: GeneDx Variant Classification Process June 2021. Collection method: clinical testing. Allele origin: germline. Affected: yes.
Comment: Not observed in large population cohorts (Lek et al., 2016); In silico analysis, which includes protein predictors and evolutionary conservation, supports a deleterious effect; Has not been previously published as pathogenic or benign to our knowledge

NM_004928.3(CFAP410):c.650T>C (p.Leu217Pro)

Gene: CFAP410 (cilia and flagella associated protein 410; minus strand). Cytogenetic location: 21q22.3.
Variant type: single nucleotide variant.
Coding change: c.650T>C on transcript NM_004928.3 (MANE Select); coding-DNA position 650, T replaced by C.
Protein change: p.Leu217Pro; replaces leucine 217 with proline.
Molecular consequence: missense variant.
Genome position (GRCh38, 1-based): chr21:44,330,319, A>G on the plus strand (T>C on the coding strand, the complement: CFAP410 is on the minus strand). VCF-style: chr21-44330319-A-G. GRCh37 (hg19) VCF-style: chr21-45750202-A-G.
Other names: c.647T>C, p.Leu216Pro (NM_001271440.2); c.1007T>C, p.Leu336Pro (NM_001271441.2); c.524T>C, p.Leu175Pro (NM_001271442.1); short protein forms L175P, L216P, L217P, L336P.
Identifiers: ClinVar variation 1310976 (VCV001310976.2), dbSNP rs2146054027, ClinGen allele CA410448589.